The following is an entry in ClinVar:

NM_001365536.1(SCN9A):c.3800A>C (p.Asp1267Ala)

Genes: SCN1A-AS1 (SCN1A and SCN9A antisense RNA 1; plus strand), SCN9A (sodium voltage-gated channel alpha subunit 9; minus strand). Cytogenetic location: 2q24.3.
Variant type: single nucleotide variant.
Coding change: c.3800A>C on transcript NM_001365536.1 (MANE Select); coding-DNA position 3800, A replaced by C.
Protein change: p.Asp1267Ala; replaces aspartic acid 1267 with alanine.
Molecular consequence: missense variant.
Genome position (GRCh38, 1-based): chr2:166,238,095, T>G on the plus strand (A>C on the coding strand, the complement: SCN9A is on the minus strand). VCF-style: chr2-166238095-T-G. GRCh37 (hg19) VCF-style: chr2-167094605-T-G.
Other names: c.3767A>C, p.Asp1256Ala (NM_002977.4); short protein forms D1267A, D1256A.
Identifiers: ClinVar variation 648227 (VCV000648227.9), dbSNP rs200023796, ClinGen allele CA59813646.

ClinVar aggregate classification (germline): Uncertain significance (1 of 4 stars; one submission).

Conditions:
Neuropathy, hereditary sensory and autonomic, type 2A (HSAN2A). Also called: WNK1-Related HSAN2 (HSAN2A); MORVAN DISEASE; NEUROPATHY, CONGENITAL SENSORY; NEUROPATHY, HEREDITARY SENSORY RADICULAR, AUTOSOMAL RECESSIVE; NEUROPATHY, HEREDITARY SENSORY, TYPE IIA; NEUROPATHY, PROGRESSIVE SENSORY, OF CHILDREN. Identifiers: Orphanet 970, MedGen C2752089, MONDO:0024309, OMIM 201300.
Generalized epilepsy with febrile seizures plus, type 7 (GEFSP7). Also called: GEFS+, TYPE 7. Identifiers: Orphanet 36387, MedGen C2751778, MONDO:0013470, OMIM 613863.

gnomAD v4.1: 1 of 1,608,420 alleles (0.000062%); no homozygotes.

Submission:

Labcorp Genetics (formerly Invitae), Labcorp
Classification: Uncertain significance for Neuropathy, hereditary sensory and autonomic, type 2A; Generalized epilepsy with febrile seizures plus, type 7. Last evaluated: 2018-11-20. Review status: criteria provided, single submitter. Criteria: Invitae Variant Classification Sherloc (09022015). Collection method: clinical testing. Allele origin: germline.
Comment: Algorithms developed to predict the effect of missense changes on protein structure and function (SIFT, PolyPhen-2, Align-GVGD) all suggest that this variant is likely to be tolerated, but these predictions have not been confirmed by published functional studies and their clinical significance is uncertain. This variant has not been reported in the literature in individuals with SCN9A-related disease. This variant is not present in population databases (ExAC no frequency). This sequence change replaces aspartic acid with alanine at codon 1256 of the SCN9A protein (p.Asp1256Ala). The aspartic acid residue is highly conserved and there is a moderate physicochemical difference between aspartic acid and alanine. Algorithms developed to predict the effect of sequence changes on RNA splicing suggest that this variant may disrupt the consensus splice site, but this prediction has not been confirmed by published transcriptional studies. In summary, the available evidence is currently insufficient to determine the role of this variant in disease. Therefore, it has been classified as a Variant of Uncertain Significance.